The following is an entry in ClinVar:

NM_001035.3(RYR2):c.13401_13410dup (p.Gly4471fs)

Gene: RYR2 (ryanodine receptor 2; plus strand). Cytogenetic location: 1q43.
Variant type: Duplication.
Coding change: c.13401_13410dup on transcript NM_001035.3 (MANE Select); coding-DNA positions 13401 to 13410, 10 bases duplicated (ACACAGATAC; older notation c.13401_13410dupACACAGATAC).
Protein change: p.Gly4471fs; shifts the reading frame from glycine 4471.
Molecular consequence: frameshift variant.
Genome position (GRCh38, 1-based): chr1:237,788,060-237,788,069, ACACAGATAC duplicated; duplicating any 10 consecutive bases within chr1:237,788,058-237,788,069 gives the same sequence; the c. name uses the placement nearest the transcript's 3' end. VCF-style (leftmost placement, unchanged base first): chr1-237788057-C-CACACACAGAT. GRCh37 (hg19) VCF-style: chr1-237951357-C-CACACACAGAT.
Other names: short protein forms G4471fs.
Identifiers: ClinVar variation 923437 (VCV000923437.3), dbSNP rs1657872579, ClinGen allele CA913187875.
Genomic context (GRCh38, chr1:237,788,057, plus strand): 5'-TGGAGAAAAAGAAGAGAAAGCCAAGGAAGACAAGGGCAAACAAAAGTTGAGGCAGCTTCA[C>CACACACAGAT]ACACACAGATACGGAGAACCAGAAGTGCCAGAGTCAGCATTCTGGAAGAAAATCATAGCA-3'

ClinVar aggregate classification (germline): Uncertain significance (1 of 4 stars; one submission).

Conditions:
Cardiomyopathy (CMYO). Also called: Cardiomyopathies. Identifiers: Orphanet 167848, MedGen C0878544, MONDO:0004994, HP:0001638. Inheritance: Various modes of inheritance.

Submission:

Color Diagnostics, LLC DBA Color Health
Classification: Uncertain significance for Cardiomyopathy. Last evaluated: 2019-06-04. Review status: criteria provided, single submitter. Criteria: ACMG Guidelines, 2015. Collection method: clinical testing. Allele origin: germline.
Comment: This variant results in the duplication of 10 nucleotides in exon 92 of the RYR2 gene, creating a frameshift and premature translation stop signal. This variant is expected to result in an absent or non-functional protein product. Computational splicing tools suggest that this variant may not impact RNA splicing. To our knowledge, functional assays have not been performed for this variant nor has this variant been reported in individuals affected with cardiovascular disorders in the literature. This variant has not been identified in the general population by the Genome Aggregation Database (gnomAD). The role of RYR2 truncation variants in cardiovascular disorders is not clearly established. Available evidence is insufficient to determine the role of this variant in disease conclusively. Therefore, this variant is classified as a Variant of Uncertain Significance.